The following is an entry in ClinVar:

NM_181872.6(DMRT2):c.202G>A (p.Ala68Thr)

Gene: DMRT2 (doublesex and mab-3 related transcription factor 2; plus strand). Cytogenetic location: 9p24.3.
Variant type: single nucleotide variant.
Coding change: c.202G>A on transcript NM_181872.6 (MANE Select); coding-DNA position 202, G replaced by A.
Protein change: p.Ala68Thr; replaces alanine 68 with threonine.
Molecular consequence: missense variant. On other transcripts: 5 prime UTR variant (1), non-coding transcript variant (1).
Genome position (GRCh38, 1-based): chr9:1,051,815, G>A. VCF-style: chr9-1051815-G-A. GRCh37 (hg19) VCF-style: chr9-1051815-G-A.
Other names: c.-449G>A (NM_001370532.1); c.202G>A, p.Ala68Thr (NM_001370533.1, NM_001387557.1, NM_001387558.1 and 4 more transcripts); short protein forms A68T.
Identifiers: ClinVar variation 3630576 (VCV003630576.2).

ClinVar aggregate classification (germline): Uncertain significance (1 of 4 stars; one submission).

Submission:

Labcorp Genetics (formerly Invitae), Labcorp
Classification: Uncertain significance. Last evaluated: 2024-08-28. Review status: criteria provided, single submitter. Criteria: Invitae Variant Classification Sherloc (09022015). Collection method: clinical testing. Allele origin: germline.
Comment: This sequence change replaces alanine, which is neutral and non-polar, with threonine, which is neutral and polar, at codon 68 of the DMRT2 protein (p.Ala68Thr). The frequency data for this variant in the population databases is considered unreliable, as metrics indicate poor data quality at this position in the gnomAD database. This variant has not been reported in the literature in individuals affected with DMRT2-related conditions. An algorithm developed to predict the effect of missense changes on protein structure and function outputs the following: PolyPhen-2: "Possibly Damaging". The threonine amino acid residue is found in multiple mammalian species, which suggests that this missense change does not adversely affect protein function. In summary, the available evidence is currently insufficient to determine the role of this variant in disease. Therefore, it has been classified as a Variant of Uncertain Significance.